The following is an entry in ClinVar:

NM_001374828.1(ARID1B):c.2299A>T (p.Ser767Cys)

Gene: ARID1B (AT-rich interaction domain 1B; plus strand). Cytogenetic location: 6q25.3.
Variant type: single nucleotide variant.
Coding change: c.2299A>T on transcript NM_001374828.1 (MANE Select); coding-DNA position 2299, A replaced by T.
Protein change: p.Ser767Cys; replaces serine 767 with cysteine.
Molecular consequence: missense variant. On other transcripts: 5 prime UTR variant (1).
Genome position (GRCh38, 1-based): chr6:157,084,713, A>T. VCF-style: chr6-157084713-A-T. GRCh37 (hg19) VCF-style: chr6-157405847-A-T.
Other names: c.-201A>T (NM_001363725.2); c.2338A>T, p.Ser780Cys (NM_001371656.1, NM_001374820.1); c.2299A>T, p.Ser767Cys (NM_017519.3); c.2089A>T (NM_020732.3); short protein forms S767C, S780C.
Identifiers: ClinVar variation 3348634 (VCV003348634.1).

ClinVar aggregate classification (germline): Uncertain significance (0 of 4 stars; one submission).

Conditions:
ARID1B-Related Disorder. Identifiers: MedGen CN381337.

gnomAD v4.1: 2 of 1,614,004 alleles (0.00012%); highest among the groups gnomAD compares: Admixed American, 0.0033%; no homozygotes.

Submission:

PreventionGenetics, part of Exact Sciences
Classification: Uncertain significance for ARID1B-related condition. Last evaluated: 2024-04-12. Review status: no assertion criteria provided. Collection method: clinical testing. Allele origin: germline.
Comment: The ARID1B c.2089A>T variant is predicted to result in the amino acid substitution p.Ser697Cys. To our knowledge, this variant has not been reported in the literature. This variant is reported in 0.0029% of alleles in individuals of Latino descent in gnomAD. At this time, the clinical significance of this variant is uncertain due to the absence of conclusive functional and genetic evidence.